The following is an entry in ClinVar:

NM_001261826.3(AP3D1):c.1609_1617del (p.Lys537_Gln539del)

Gene: AP3D1 (adaptor related protein complex 3 subunit delta 1; minus strand). Cytogenetic location: 19p13.3.
Variant type: Deletion.
Coding change: c.1609_1617del on transcript NM_001261826.3 (MANE Select); coding-DNA positions 1609 to 1617, 9 bases deleted (AAGGAGCAG; older notation c.1609_1617delAAGGAGCAG).
Protein change: p.Lys537_Gln539del.
Molecular consequence: inframe deletion.
Genome position (GRCh38, 1-based): chr19:2,118,697-2,118,705, CTGCTCCTT deleted on the plus strand (AAGGAGCAG on the coding strand, the reverse complement: AP3D1 is on the minus strand); deleting any 9 consecutive bases within chr19:2,118,697-2,118,710 gives the same sequence; the c. name uses the placement nearest the transcript's 3' end. VCF-style (leftmost placement, unchanged base first): chr19-2118696-CCTGCTCCTT-C. GRCh37 (hg19) VCF-style: chr19-2118695-CCTGCTCCTT-C.
Other names: c.1609_1617del, p.Lys537_Gln539del (NM_001374799.1, NM_003938.8).
Identifiers: ClinVar variation 1489081 (VCV001489081.6), dbSNP rs2145056867, ClinGen allele CA2573155827.
Genomic context (GRCh38, chr19:2,118,696, plus strand): 5'-ACTGGGGCAGCCGGTCCACCATGAGCTGGGTGACGGCCTGAGCGCCCTCTGCCTCCCCGG[CCTGCTCCTT>C]CTGCTGCAGGATGGAGGCGTAGAGCTTGACCACGTTCTGCACATACACGGCCTGGATGTG-3'

ClinVar aggregate classification (germline): Uncertain significance (1 of 4 stars; one submission).

Submission:

Labcorp Genetics (formerly Invitae), Labcorp
Classification: Uncertain significance. Last evaluated: 2022-09-12. Review status: criteria provided, single submitter. Criteria: Invitae Variant Classification Sherloc (09022015). Collection method: clinical testing. Allele origin: germline.
Comment: In summary, the available evidence is currently insufficient to determine the role of this variant in disease. Therefore, it has been classified as a Variant of Uncertain Significance. Experimental studies and prediction algorithms are not available or were not evaluated, and the functional significance of this variant is currently unknown. ClinVar contains an entry for this variant (Variation ID: 1489081). This variant has not been reported in the literature in individuals affected with AP3D1-related conditions. This variant is not present in population databases (gnomAD no frequency). This variant, c.1609_1617del, results in the deletion of 3 amino acid(s) of the AP3D1 protein (p.Lys537_Gln539del), but otherwise preserves the integrity of the reading frame.